The following is an entry in ClinVar:

ClinVar aggregate classification (germline): Likely benign (1 of 4 stars; one submission).

Allele frequency attached by ClinVar (database versions not stated): ExAC 0.00005; gnomAD exomes 0.00005; gnomAD 0.00007; TOPMed 0.00007; ESP Exome Variant Server 0.00017.
gnomAD v4.1: 87 of 1,613,838 alleles (0.0054%); highest among the groups gnomAD compares: South Asian, 0.0088%; 1 homozygote.

Submission:

CeGaT Center for Human Genetics Tuebingen
Classification: Likely benign. Last evaluated: 2024-01-01. Review status: criteria provided, single submitter. Criteria: CeGaT Center For Human Genetics Tuebingen Variant Classification Criteria Version 2. Collection method: clinical testing. Allele origin: germline. Affected: yes. Observed: 2 variant alleles.
Comment: SELENOI: BP4, BP7

NM_033505.4(SELENOI):c.963T>C (p.Asn321=)

Gene: SELENOI (selenoprotein I; plus strand). Cytogenetic location: 2p23.3.
Variant type: single nucleotide variant.
Coding change: c.963T>C on transcript NM_033505.4 (MANE Select); coding-DNA position 963, T replaced by C.
Protein change: p.Asn321=; no amino-acid change (asparagine 321 retained).
Molecular consequence: synonymous variant. On other transcripts: non-coding transcript variant (1).
Genome position (GRCh38, 1-based): chr2:26,386,404, T>C. VCF-style: chr2-26386404-T-C. GRCh37 (hg19) VCF-style: chr2-26609272-T-C.
Identifiers: ClinVar variation 2650747 (VCV002650747.24), dbSNP rs376515532, ClinGen allele CA1561652.